The following is an entry in ClinVar:

NM_001367624.2(ZNF469):c.1804G>A (p.Gly602Ser)

Gene: ZNF469 (zinc finger protein 469; plus strand). Cytogenetic location: 16q24.2.
Variant type: single nucleotide variant.
Coding change: c.1804G>A on transcript NM_001367624.2 (MANE Select); coding-DNA position 1804, G replaced by A.
Protein change: p.Gly602Ser; replaces glycine 602 with serine.
Molecular consequence: missense variant.
Genome position (GRCh38, 1-based): chr16:88,429,274, G>A. VCF-style: chr16-88429274-G-A. GRCh37 (hg19) VCF-style: chr16-88495682-G-A.
Other names: NM_001127464.1:c.1804G>A; short protein forms G602S.
Identifiers: ClinVar variation 1924091 (VCV001924091.3), dbSNP rs923827293, ClinGen allele CA397068579.

ClinVar aggregate classification (germline): Conflicting classifications of pathogenicity. Review status: criteria provided, conflicting classifications (1 of 4 stars). 2 submissions from 2 submitters: Uncertain significance (1); Likely benign (1). Last evaluated 2024-10-19.

Conditions:
Cardiovascular phenotype. Identifiers: MedGen CN230736.

Allele frequency attached by ClinVar (database versions not stated): gnomAD exomes 0.00003.
gnomAD v4.1: 41 of 1,549,762 alleles (0.0026%); highest among the groups gnomAD compares: Middle Eastern, 0.033%; no homozygotes.

Submissions (2):

Ambry Genetics
Classification: Likely benign for Cardiovascular phenotype. Last evaluated: 2024-10-19. Review status: criteria provided, single submitter. Criteria: Ambry Variant Classification Scheme 2023. Collection method: clinical testing. Allele origin: germline.

Labcorp Genetics (formerly Invitae), Labcorp
Classification: Uncertain significance. Last evaluated: 2022-02-20. Review status: criteria provided, single submitter. Criteria: Invitae Variant Classification Sherloc (09022015). Collection method: clinical testing. Allele origin: germline.
Comment: This sequence change replaces glycine, which is neutral and non-polar, with serine, which is neutral and polar, at codon 602 of the ZNF469 protein (p.Gly602Ser). The frequency data for this variant in the population databases is considered unreliable, as metrics indicate poor data quality at this position in the gnomAD database. This variant has not been reported in the literature in individuals affected with ZNF469-related conditions. Algorithms developed to predict the effect of missense changes on protein structure and function output the following: SIFT: "Tolerated"; PolyPhen-2: "Benign"; Align-GVGD: "Class C0". The serine amino acid residue is found in multiple mammalian species, which suggests that this missense change does not adversely affect protein function. In summary, the available evidence is currently insufficient to determine the role of this variant in disease. Therefore, it has been classified as a Variant of Uncertain Significance.